The following is an entry in ClinVar:

NM_000245.4(MET):c.3509G>A (p.Arg1170Gln)

Gene: MET (MET proto-oncogene, receptor tyrosine kinase; plus strand). Cytogenetic location: 7q31.2.
Variant type: single nucleotide variant.
Coding change: c.3509G>A on transcript NM_000245.4 (MANE Select); coding-DNA position 3509, G replaced by A.
Protein change: p.Arg1170Gln; replaces arginine 1170 with glutamine.
Molecular consequence: missense variant.
Genome position (GRCh38, 1-based): chr7:116,778,944, G>A. VCF-style: chr7-116778944-G-A. GRCh37 (hg19) VCF-style: chr7-116418998-G-A.
Other names: c.3563G>A, p.Arg1188Gln (NM_001127500.3); c.2219G>A, p.Arg740Gln (NM_001324402.2); c.3563G>A (LRG_662t1, NM_001127500.2); short protein forms R1188Q, R1170Q, R740Q.
Identifiers: ClinVar variation 188059 (VCV000188059.17), dbSNP rs369838973, ClinGen allele CA333924.

ClinVar aggregate classification (germline): Uncertain significance. Review status: criteria provided, multiple submitters, no conflicts (2 of 4 stars). 7 submissions from 7 submitters: Uncertain significance (7). Last evaluated 2025-03-20.

Conditions:
Arthrogryposis, distal, IIa 11. Also called: Arthrogryposis, distal, type 11. Identifiers: MedGen C5774205, MONDO:0031045, OMIM 620019.
Autosomal recessive nonsyndromic hearing loss 97. Also called: Deafness, autosomal recessive 97. Identifiers: Orphanet 90636, MedGen C4084709, MONDO:0014739, OMIM 616705.
Osteofibrous dysplasia (OSFD). Also called: Tibia, bowing of, with pseudarthrosis and pectus excavatum. Identifiers: Orphanet 488265, MedGen C4085248, MONDO:0011806, OMIM 607278.
Hepatocellular carcinoma (HCC). Also called: HEPATOMA; LIVER CELL CARCINOMA; Primary carcinoma of liver. Identifiers: Orphanet 88673, MedGen C2239176, MONDO:0007256, OMIM 114550, HP:0001402.
Papillary renal cell carcinoma type 1 (RCCP1). Also called: RENAL CELL CARCINOMA, PAPILLARY, 1, SOMATIC; Renal adenocarcinoma; Renal cell carcinoma 1; Renal cell carcinoma, somatic. Identifiers: Orphanet 47044, MedGen C1336839, OMIM 605074, HP:0011797.
Renal cell carcinoma. Identifiers: Orphanet 217071, MedGen C0007134, MeSH D002292, MONDO:0005086, HP:0005584.
Hereditary cancer-predisposing syndrome. Also called: Neoplastic Syndromes, Hereditary; Hereditary neoplastic syndrome; Tumor predisposition; Hereditary Cancer Syndrome. Identifiers: Orphanet 140162, MedGen C0027672, MeSH D009386, MONDO:0015356.

Allele frequency attached by ClinVar (database versions not stated): gnomAD exomes 0.00001; TOPMed below 0.00001; ExAC 0.00001.

Submissions (7):

Labcorp Genetics (formerly Invitae), Labcorp
Classification: Uncertain significance for Renal cell carcinoma. Last evaluated: 2025-03-20. Review status: criteria provided, single submitter. Criteria: Invitae Variant Classification Sherloc (09022015). Collection method: clinical testing. Allele origin: germline.
Comment: This sequence change replaces arginine, which is basic and polar, with glutamine, which is neutral and polar, at codon 1188 of the MET protein (p.Arg1188Gln). This variant is present in population databases (rs369838973, gnomAD 0.003%). This variant has not been reported in the literature in individuals affected with MET-related conditions. ClinVar contains an entry for this variant (Variation ID: 188059). Invitae Evidence Modeling of protein sequence and biophysical properties (such as structural, functional, and spatial information, amino acid conservation, physicochemical variation, residue mobility, and thermodynamic stability) indicates that this missense variant is expected to disrupt MET protein function with a positive predictive value of 80%. In summary, the available evidence is currently insufficient to determine the role of this variant in disease. Therefore, it has been classified as a Variant of Uncertain Significance.

Ambry Genetics
Classification: Uncertain significance for Hereditary cancer-predisposing syndrome. Last evaluated: 2025-03-12. Review status: criteria provided, single submitter. Criteria: Ambry Variant Classification Scheme 2023. Collection method: clinical testing. Allele origin: germline.
Comment: The p.R1188Q variant (also known as c.3563G>A), located in coding exon 16 of the MET gene, results from a G to A substitution at nucleotide position 3563. The arginine at codon 1188 is replaced by glutamine, an amino acid with highly similar properties. This amino acid position is highly conserved in available vertebrate species. In addition, this alteration is predicted to be deleterious by in silico analysis. Based on the available evidence, the clinical significance of this variant remains unclear.

Center for Genomic Medicine, Rigshospitalet, Copenhagen University Hospital
Classification: Uncertain significance. Last evaluated: 2025-03-04. Review status: criteria provided, single submitter. Criteria: ACMG Guidelines, 2015. Collection method: clinical testing. Allele origin: germline.

GeneDx
Classification: Uncertain significance. Last evaluated: 2024-03-28. Review status: criteria provided, single submitter. Criteria: GeneDx Variant Classification Process June 2021. Collection method: clinical testing. Allele origin: germline.
Comment: Not observed at significant frequency in large population cohorts (gnomAD); In silico analysis supports that this missense variant has a deleterious effect on protein structure/function; Has not been previously published as pathogenic or benign to our knowledge

Baylor Genetics
Classification: Uncertain significance for Autosomal recessive nonsyndromic hearing loss 97. Last evaluated: 2024-02-14. Review status: criteria provided, single submitter. Criteria: ACMG Guidelines, 2015. Collection method: clinical testing. Allele origin: unknown.

Quest Diagnostics Nichols Institute San Juan Capistrano
Classification: Uncertain significance. Last evaluated: 2023-10-13. Review status: criteria provided, single submitter. Criteria: Quest Diagnostics criteria. Collection method: clinical testing. Allele origin: unknown.

Department of Pathology and Laboratory Medicine, Sinai Health System
Classification: Uncertain significance for Hepatocellular carcinoma; Papillary renal cell carcinoma type 1; Osteofibrous dysplasia; Autosomal recessive nonsyndromic hearing loss 97; Arthrogryposis, distal, IIa 11. Last evaluated: 2022-06-06. Review status: criteria provided, single submitter. Criteria: ACMG Guidelines, 2015. Collection method: clinical testing. Allele origin: germline. Affected: yes.